The following is an entry in ClinVar:

ClinVar aggregate classification (germline): Uncertain significance (1 of 4 stars; one submission).

Conditions:
TTN-related disorder. Also called: TTN-related condition; TTN-related disease; TTN-related disorders.

gnomAD v4.1: 4 of 1,613,358 alleles (0.00025%); highest among the groups gnomAD compares: Admixed American, 0.0033%; no homozygotes.

Submission:

PreventionGenetics, part of Exact Sciences
Classification: Uncertain significance for TTN-related condition. Last evaluated: 2026-04-08. Review status: criteria provided, single submitter. Criteria: ACMG Guidelines, 2015. Collection method: clinical testing. Allele origin: germline.
Comment: The TTN c.67171G>C variant is predicted to result in the amino acid substitution p.Val22391Leu. To our knowledge, this variant has not been reported in the literature. This variant is reported in 0.0029% of alleles in individuals of Latino descent in gnomAD. At this time, the clinical significance of this variant is uncertain due to the absence of conclusive functional and genetic evidence.

NM_001267550.2(TTN):c.67171G>C (p.Val22391Leu)

Genes: TTN (titin; minus strand), TTN-AS1 (TTN antisense RNA 1; plus strand). Cytogenetic location: 2q31.2.
Variant type: single nucleotide variant.
Coding change: c.67171G>C on transcript NM_001267550.2 (MANE Select); coding-DNA position 67171, G replaced by C.
Protein change: p.Val22391Leu; replaces valine 22391 with leucine.
Molecular consequence: missense variant.
Genome position (GRCh38, 1-based): chr2:178,580,116, C>G on the plus strand (G>C on the coding strand, the complement: TTN is on the minus strand). VCF-style: chr2-178580116-C-G. GRCh37 (hg19) VCF-style: chr2-179444843-C-G.
Other names: c.62248G>C, p.Val20750Leu (NM_001256850.1); c.39976G>C, p.Val13326Leu (NM_003319.4); c.59467G>C, p.Val19823Leu (NM_133378.4); c.40351G>C, p.Val13451Leu (NM_133432.3); c.40552G>C, p.Val13518Leu (NM_133437.4); short protein forms V22391L, V19823L, V13518L, V20750L, V13326L, V13451L.
Identifiers: ClinVar variation 4979782 (VCV004979782.1).